The following is an entry in ClinVar:

ClinVar aggregate classification (germline): Pathogenic (1 of 4 stars; one submission).

Conditions:
Hereditary pheochromocytoma and paraganglioma. Also called: Hereditary pheochromocytoma-paraganglioma; Hereditary paragangliomas and pheochromocytomas; Hereditary Paraganglioma-Pheochromocytoma Syndromes. Identifiers: Orphanet 29072, MedGen C4274332, MONDO:0017366.

Submission:

Labcorp Genetics (formerly Invitae), Labcorp
Classification: Pathogenic for Hereditary pheochromocytoma and paraganglioma. Last evaluated: 2019-03-07. Review status: criteria provided, single submitter. Criteria: Invitae Variant Classification Sherloc (09022015). Collection method: clinical testing. Allele origin: germline.
Comment: Loss-of-function variants in MAX are known to be pathogenic (PMID: 21685915, 26070438). For these reasons, this variant has been classified as Pathogenic. This variant has not been reported in the literature in individuals with a MAX-related disease. This variant is a gross deletion of the genomic region encompassing exons 1-3 of the MAX gene, which includes the initiator codon. The 5' end of this event is unknown as it extends beyond the assayed region for this gene and therefore may encompass additional genes. The 3' boundary is likely confined to intron 3 of the MAX gene. This is expected to result in an absent or disrupted protein product.

Literature cited by the submitters: PubMed 21685915; PubMed 26070438.

NC_000014.9:g.(?_65093698)_(65102349_?)del

Gene: MAX (MYC associated transcriptional regulator X; minus strand). Cytogenetic location: 14q23.3.
Variant type: Deletion.
Identifiers: ClinVar variation 833228 (VCV000833228.5).